The following is an entry in ClinVar:

NM_001161352.2(KCNMA1):c.644T>C (p.Leu215Ser)

Gene: KCNMA1 (potassium calcium-activated channel subfamily M alpha 1; minus strand). Cytogenetic location: 10q22.3.
Variant type: single nucleotide variant.
Coding change: c.644T>C on transcript NM_001161352.2 (MANE Select); coding-DNA position 644, T replaced by C.
Protein change: p.Leu215Ser; replaces leucine 215 with serine.
Molecular consequence: missense variant.
Genome position (GRCh38, 1-based): chr10:77,184,875, A>G on the plus strand (T>C on the coding strand, the complement: KCNMA1 is on the minus strand). VCF-style: chr10-77184875-A-G. GRCh37 (hg19) VCF-style: chr10-78944633-A-G.
Other names: c.644T>C, p.Leu215Ser (NM_001014797.3, NM_001161353.2, NM_001271519.2 and 8 more transcripts); c.482T>C, p.Leu161Ser (NM_001271518.2); c.104T>C, p.Leu35Ser (NM_001322838.2); short protein forms L35S, L161S, L215S.
Identifiers: ClinVar variation 2101223 (VCV002101223.4), dbSNP rs2551817670, ClinGen allele CA377410652.

ClinVar aggregate classification (germline): Uncertain significance (1 of 4 stars; one submission).

Conditions:
Generalized epilepsy-paroxysmal dyskinesia syndrome (PNKD3). Also called: Generalized epilepsy and paroxysmal dyskinesia; Paroxysmal nonkinesigenic dyskinesia, 3, with or without generalized epilepsy. Identifiers: Orphanet 79137, MedGen C5574945, MONDO:0012276, OMIM 609446.

Submission:

Labcorp Genetics (formerly Invitae), Labcorp
Classification: Uncertain significance for Generalized epilepsy-paroxysmal dyskinesia syndrome. Last evaluated: 2023-08-04. Review status: criteria provided, single submitter. Criteria: Invitae Variant Classification Sherloc (09022015). Collection method: clinical testing. Allele origin: germline.
Comment: This variant is not present in population databases (gnomAD no frequency). This sequence change replaces leucine, which is neutral and non-polar, with serine, which is neutral and polar, at codon 215 of the KCNMA1 protein (p.Leu215Ser). This variant has not been reported in the literature in individuals affected with KCNMA1-related conditions. ClinVar contains an entry for this variant (Variation ID: 2101223). Advanced modeling of protein sequence and biophysical properties (such as structural, functional, and spatial information, amino acid conservation, physicochemical variation, residue mobility, and thermodynamic stability) performed at Invitae indicates that this missense variant is not expected to disrupt KCNMA1 protein function. In summary, the available evidence is currently insufficient to determine the role of this variant in disease. Therefore, it has been classified as a Variant of Uncertain Significance.